The following is an entry in ClinVar:

NM_002778.4(PSAP):c.629C>A (p.Thr210Asn)

Gene: PSAP (prosaposin; minus strand). Cytogenetic location: 10q22.1.
Variant type: single nucleotide variant.
Coding change: c.629C>A on transcript NM_002778.4 (MANE Select); coding-DNA position 629, C replaced by A.
Protein change: p.Thr210Asn; replaces threonine 210 with asparagine.
Molecular consequence: missense variant.
Genome position (GRCh38, 1-based): chr10:71,828,105, G>T on the plus strand (C>A on the coding strand, the complement: PSAP is on the minus strand). VCF-style: chr10-71828105-G-T. GRCh37 (hg19) VCF-style: chr10-73587862-G-T.
Other names: c.629C>A, p.Thr210Asn (NM_001042465.3, NM_001042466.3); c.629C>A (NM_002778.2); short protein forms T210N.
Identifiers: ClinVar variation 1409989 (VCV001409989.4), dbSNP rs774029071, ClinGen allele CA5547712.
Genomic context (GRCh38, chr10:71,828,105, plus strand): 5'-CACTCCTCCTTGACATGTTCCACCAAGGCCTGGACAAAGGTGGAGTTGGTCCGTACAGCA[G>T]TCTGGATGTCAGTCACCATCTGAATGCAGTCCTGGCAAACGTCCCCATTATCCTACAGAA-3'
Protein context (NP_002769.1, residues 200-220): DCIQMVTDIQ[Thr210Asn]AVRTNSTFVQ

ClinVar aggregate classification (germline): Conflicting classifications of pathogenicity. Review status: criteria provided, conflicting classifications (1 of 4 stars). 2 submissions from 2 submitters: Uncertain significance (1); Likely benign (1). Last evaluated 2025-05-01.

Conditions:
Inborn genetic diseases. Identifiers: MedGen C0950123, MeSH D030342.
Sphingolipid activator protein 1 deficiency. Also called: Saposin B Deficiency; Metachromatic leukodystrophy due to saposin B deficiency; METACHROMATIC LEUKODYSTROPHY DUE TO CEREBROSIDE SULFATASE ACTIVATOR DEFICIENCY. Identifiers: Orphanet 512, MedGen C0268262, MONDO:0009590, OMIM 249900.

Allele frequency attached by ClinVar (database versions not stated): gnomAD exomes 0.00001 and below 0.00001; TOPMed 0.00003; ExAC 0.00001; gnomAD 0.00002.

Submissions (2):

Ambry Genetics
Classification: Likely benign for Inborn genetic diseases. Last evaluated: 2025-05-01. Review status: criteria provided, single submitter. Criteria: Ambry Variant Classification Scheme 2023. Collection method: clinical testing. Allele origin: germline.

Labcorp Genetics (formerly Invitae), Labcorp
Classification: Uncertain significance for Sphingolipid activator protein 1 deficiency. Last evaluated: 2022-06-20. Review status: criteria provided, single submitter. Criteria: Invitae Variant Classification Sherloc (09022015). Collection method: clinical testing. Allele origin: germline.
Comment: This sequence change replaces threonine with asparagine at codon 210 of the PSAP protein (p.Thr210Asn). The threonine residue is weakly conserved and there is a small physicochemical difference between threonine and asparagine. This variant is present in population databases (rs774029071, gnomAD 0.01%). This variant has not been reported in the literature in individuals affected with PSAP-related conditions. Algorithms developed to predict the effect of missense changes on protein structure and function output the following: SIFT: "Not Available"; PolyPhen-2: "Benign"; Align-GVGD: "Not Available". The asparagine amino acid residue is found in multiple mammalian species, which suggests that this missense change does not adversely affect protein function. In summary, the available evidence is currently insufficient to determine the role of this variant in disease. Therefore, it has been classified as a Variant of Uncertain Significance.